The following is an entry in ClinVar:

ClinVar aggregate classification (germline): Conflicting classifications of pathogenicity. Review status: criteria provided, conflicting classifications (1 of 4 stars). 5 submissions from 5 submitters: Uncertain significance (2); Benign (1); Likely benign (2). Last evaluated 2025-06-15.

Conditions:
Tuberous sclerosis syndrome (TSC). Also called: Tuberous Sclerosis Complex; Tuberous sclerosis. Identifiers: Orphanet 805, MedGen C0041341, MONDO:0001734.
Hereditary cancer-predisposing syndrome. Also called: Hereditary neoplastic syndrome; Neoplastic Syndromes, Hereditary; Tumor predisposition; Hereditary Cancer Syndrome. Identifiers: Orphanet 140162, MedGen C0027672, MeSH D009386, MONDO:0015356.
Tuberous sclerosis 1 (TSC1). Identifiers: Orphanet 805, MedGen C1854465, MONDO:0008612, OMIM 191100.

Allele frequency attached by ClinVar (database versions not stated): gnomAD exomes below 0.00001; TOPMed below 0.00001; ExAC 0.00001; gnomAD 0.00001; 1000 Genomes Project 30x 0.00016; 1000 Genomes Project 0.00020.
gnomAD v4.1: 3 of 1,614,100 alleles (0.00019%); highest among the groups gnomAD compares: Non-Finnish European, 0.00025%; no homozygotes.

Submissions (5):

Labcorp Genetics (formerly Invitae), Labcorp
Classification: Benign for Tuberous sclerosis 1. Last evaluated: 2025-06-15. Review status: criteria provided, single submitter. Criteria: Invitae Variant Classification Sherloc (09022015). Collection method: clinical testing. Allele origin: germline.

All of Us Research Program, National Institutes of Health
Classification: Uncertain significance for Tuberous sclerosis syndrome. Last evaluated: 2024-07-20. Review status: criteria provided, single submitter. Criteria: ACMG Guidelines, 2015. Collection method: clinical testing. Allele origin: germline. Inheritance: Autosomal dominant inheritance. Observed: 2 variant alleles, 2 heterozygotes.
Comment: This missense variant replaces tyrosine with cysteine at codon 406 of the TSC1 protein. Computational prediction suggests that this variant may not impact protein structure and function (internally defined REVEL score threshold <= 0.5, PMID: 27666373). To our knowledge, functional studies have not been reported for this variant. This variant has not been reported in individuals affected with hereditary cancer in the literature. This variant has been identified in 1/251126 chromosomes in the general population by the Genome Aggregation Database (gnomAD). The available evidence is insufficient to determine the role of this variant in disease conclusively. Therefore, this variant is classified as a Variant of Uncertain Significance.

This study involves interpretation of variants in research participants for the purpose of population health screening. Participant phenotype was not available at the time of variant classification. Additional details can be found in publication PMID: 35346344, PMCID: PMC8962531

Ambry Genetics
Classification: Likely benign for Hereditary cancer-predisposing syndrome. Last evaluated: 2023-10-26. Review status: criteria provided, single submitter. Criteria: Ambry Variant Classification Scheme 2023. Collection method: clinical testing. Allele origin: germline.

Genome-Nilou Lab
Classification: Likely benign for Tuberous sclerosis 1. Last evaluated: 2021-11-07. Review status: criteria provided, single submitter. Criteria: ACMG Guidelines, 2015. Collection method: clinical testing. Allele origin: germline. Affected: no.

GeneDx
Classification: Uncertain significance. Last evaluated: 2020-03-09. Review status: criteria provided, single submitter. Criteria: GeneDx Variant Classification Process June 2021. Collection method: clinical testing. Allele origin: germline. Affected: yes.
Comment: In silico analysis supports that this missense variant does not alter protein structure/function; Has not been previously published as pathogenic or benign to our knowledge

NM_000368.5(TSC1):c.1217A>G (p.Tyr406Cys)

Gene: TSC1 (TSC complex subunit 1; minus strand). Cytogenetic location: 9q34.13.
Variant type: single nucleotide variant.
Coding change: c.1217A>G on transcript NM_000368.5 (MANE Select); coding-DNA position 1217, A replaced by G.
Protein change: p.Tyr406Cys; replaces tyrosine 406 with cysteine.
Molecular consequence: missense variant.
Genome position (GRCh38, 1-based): chr9:132,910,617, T>C on the plus strand (A>G on the coding strand, the complement: TSC1 is on the minus strand). VCF-style: chr9-132910617-T-C. GRCh37 (hg19) VCF-style: chr9-135786004-T-C.
Other names: c.1214A>G, p.Tyr405Cys (NM_001162426.2); c.1064A>G, p.Tyr355Cys (NM_001162427.2); c.854A>G, p.Tyr285Cys (NM_001362177.2); short protein forms Y406C, Y285C, Y355C, Y405C.
Identifiers: ClinVar variation 411241 (VCV000411241.21), dbSNP rs143502728, ClinGen allele CA027303.